The following is an entry in ClinVar:

NM_178170.3(NEK8):c.506A>G (p.Tyr169Cys)

Gene: NEK8 (NIMA related kinase 8; plus strand). Cytogenetic location: 17q11.2.
Variant type: single nucleotide variant.
Coding change: c.506A>G on transcript NM_178170.3 (MANE Select); coding-DNA position 506, A replaced by G.
Protein change: p.Tyr169Cys; replaces tyrosine 169 with cysteine.
Molecular consequence: missense variant.
Genome position (GRCh38, 1-based): chr17:28,735,259, A>G. VCF-style: chr17-28735259-A-G. GRCh37 (hg19) VCF-style: chr17-27062277-A-G.
Other names: short protein forms Y169C.
Identifiers: ClinVar variation 1031305 (VCV001031305.1), dbSNP rs2034352287, ClinGen allele CA398425195.

ClinVar aggregate classification (germline): Uncertain significance (1 of 4 stars; one submission).

Conditions:
Nephronophthisis 9 (NPHP9). Identifiers: Orphanet 655, MedGen C3151188, MONDO:0013444, OMIM 613824.

Submission:

Baylor Genetics
Classification: Uncertain significance for Nephronophthisis 9. Last evaluated: 2019-12-06. Review status: criteria provided, single submitter. Criteria: ACMG Guidelines, 2015. Collection method: clinical testing. Allele origin: unknown. Affected: yes.
Comment: This variant was determined to be of uncertain significance according to ACMG Guidelines, 2015 [PMID:25741868].